The following is an entry in ClinVar:

ClinVar aggregate classification (germline): Uncertain significance (1 of 4 stars; one submission).

Conditions:
Familial melanoma. Also called: Hereditary melanoma; Hereditary cutaneous melanoma. Identifiers: Orphanet 618, MedGen C1512419, MONDO:0018961.

Allele frequency attached by ClinVar (database versions not stated): TOPMed 0.00001.

Submission:

Labcorp Genetics (formerly Invitae), Labcorp
Classification: Uncertain significance for Familial melanoma. Last evaluated: 2024-09-30. Review status: criteria provided, single submitter. Criteria: Invitae Variant Classification Sherloc (09022015). Collection method: clinical testing. Allele origin: germline.
Comment: The CDKN2A gene encodes two different proteins, p16INK4a and p14ARF, which are translated from alternative transcripts with different open reading frames. Both transcripts have been analyzed. We report either the variant with the higher classification or default to the CDKN2A (p16INK4a) variant. This report therefore includes the details for the CDKN2A (p16INK4a) variant. This sequence change replaces alanine, which is neutral and non-polar, with serine, which is neutral and polar, at codon 76 of the CDKN2A (p16INK4a) protein (p.Ala76Ser). This variant is not present in population databases (gnomAD no frequency). This variant has not been reported in the literature in individuals affected with CDKN2A (p16INK4a)-related conditions. This variant is also known as c.269G>T. ClinVar contains an entry for this variant (Variation ID: 2059365). An algorithm developed to predict the effect of missense changes on protein structure and function (PolyPhen-2) suggests that this variant is likely to be tolerated. In summary, the available evidence is currently insufficient to determine the role of this variant in disease. Therefore, it has been classified as a Variant of Uncertain Significance.

NM_000077.5(CDKN2A):c.226G>T (p.Ala76Ser)

Gene: CDKN2A (cyclin dependent kinase inhibitor 2A; minus strand). Cytogenetic location: 9p21.3.
Variant type: single nucleotide variant.
Coding change: c.226G>T on transcript NM_000077.5; coding-DNA position 226, G replaced by T.
Protein change: p.Ala76Ser; replaces alanine 76 with serine.
Molecular consequence: missense variant (on NM_000077.6). On other transcripts: 3 prime UTR variant (1).
Genome position (GRCh38, 1-based): chr9:21,971,133, C>A on the plus strand (G>T on the coding strand, the complement: CDKN2A is on the minus strand). VCF-style: chr9-21971133-C-A. GRCh37 (hg19) VCF-style: chr9-21971132-C-A.
Other names: c.226G>T, p.Ala76Ser (NM_000077.6, NM_001195132.2); c.73G>T, p.Ala25Ser (NM_001363763.2); c.269G>T, p.Arg90Leu (NM_058195.4); c.*149G>T (NM_058197.5); short protein forms A76S, A25S, R90L.
Identifiers: ClinVar variation 2059365 (VCV002059365.4), dbSNP rs774633329, ClinGen allele CA373086287.